The following is an entry in ClinVar:

ClinVar aggregate classification (germline): Uncertain significance. Review status: criteria provided, multiple submitters, no conflicts (2 of 4 stars). 2 submissions from 2 submitters: Uncertain significance (2). Last evaluated 2026-04-24.

Conditions:
TULP3-related condition.
Inborn genetic diseases. Identifiers: MedGen C0950123, MeSH D030342.

gnomAD v4.1: 26 of 1,614,042 alleles (0.0016%); highest among the groups gnomAD compares: Admixed American, 0.028%; no homozygotes.

Submissions (2):

PreventionGenetics, part of Exact Sciences
Classification: Uncertain significance for TULP3-related condition. Last evaluated: 2026-04-24. Review status: criteria provided, single submitter. Criteria: ACMG Guidelines, 2015. Collection method: clinical testing. Allele origin: germline.
Comment: The TULP3 c.1138C>G variant is predicted to result in the amino acid substitution p.Arg380Gly. To our knowledge, this variant has not been reported in the literature. This variant is reported in 0.046% of alleles in individuals of Latino descent in gnomAD. At this time, the clinical significance of this variant is uncertain due to the absence of conclusive functional and genetic evidence.

Ambry Genetics
Classification: Uncertain significance for Inborn genetic diseases. Last evaluated: 2025-04-03. Review status: criteria provided, single submitter. Criteria: Ambry Variant Classification Scheme 2023. Collection method: clinical testing. Allele origin: germline.

NM_003324.5(TULP3):c.1138C>G (p.Arg380Gly)

Gene: TULP3 (TUB like protein 3; plus strand). Cytogenetic location: 12p13.33.
Variant type: single nucleotide variant.
Coding change: c.1138C>G on transcript NM_003324.5 (MANE Select); coding-DNA position 1138, C replaced by G.
Protein change: p.Arg380Gly; replaces arginine 380 with glycine.
Molecular consequence: missense variant.
Genome position (GRCh38, 1-based): chr12:2,938,228, C>G. VCF-style: chr12-2938228-C-G. GRCh37 (hg19) VCF-style: chr12-3047394-C-G.
Other names: c.1138C>G, p.Arg380Gly (NM_001160408.2); short protein forms R380G.
Identifiers: ClinVar variation 3976071 (VCV003976071.2).